The following is an entry in ClinVar:

ClinVar aggregate classification (germline): Uncertain significance. Review status: criteria provided, multiple submitters, no conflicts (2 of 4 stars). 3 submissions from 3 submitters: Uncertain significance (2). 1 of the submissions does not count toward it. Last evaluated 2022-08-23.

Conditions:
Anauxetic dysplasia. Identifiers: Orphanet 93347, MedGen C1846796, MONDO:0011773.
Metaphyseal chondrodysplasia, McKusick type (CHH). Also called: Cartilage-Hair Hypoplasia (CHH); Cartilage-hair hypoplasia. Identifiers: Orphanet 175, MedGen C0220748, MONDO:0009595, OMIM 250250.
Anauxetic dysplasia 1 (ANXD1). Also called: Anauxetic Dysplasia (AD). Identifiers: Orphanet 93347, MedGen C4551965, MONDO:0054560, OMIM 607095.
Metaphyseal dysplasia without hypotrichosis. Also called: Metaphyseal Dysplasia without Hypotrichosis (MDWH); CARTILAGE-HAIR HYPOPLASIA VARIANT, SKELETAL MANIFESTATIONS ONLY; CARTILAGE-HAIR HYPOPLASIA-LIKE SKELETAL DYSPLASIA WITHOUT HYPOTRICHOSIS OR IMMUNODEFICIENCY. Identifiers: MedGen C1834821, MONDO:0009601, OMIM 250460.

Allele frequency attached by ClinVar (database versions not stated): gnomAD exomes 0.00003; TOPMed 0.00004; gnomAD 0.00005 and 0.00006.
gnomAD v4.1: 19 of 695,434 alleles (0.0027%); highest among the groups gnomAD compares: African/African-American, 0.023%; no homozygotes.

Submissions (3):

Labcorp Genetics (formerly Invitae), Labcorp
Classification: Uncertain significance for Anauxetic dysplasia. Last evaluated: 2022-08-23. Review status: criteria provided, single submitter. Criteria: Invitae Variant Classification Sherloc (09022015). Collection method: clinical testing. Allele origin: germline.
Comment: This variant occurs in the RMRP gene, which encodes an RNA molecule that does not result in a protein product. This variant is present in population databases (no rsID available, gnomAD 0.04%). This variant has not been reported in the literature in individuals affected with RMRP-related conditions. ClinVar contains an entry for this variant (Variation ID: 991662). Experimental studies and prediction algorithms are not available or were not evaluated, and the functional significance of this variant is currently unknown. In summary, the available evidence is currently insufficient to determine the role of this variant in disease. Therefore, it has been classified as a Variant of Uncertain Significance.

Fulgent Genetics
Classification: Uncertain significance for Metaphyseal chondrodysplasia, McKusick type; Metaphyseal dysplasia without hypotrichosis; Anauxetic dysplasia 1. Last evaluated: 2021-10-26. Review status: criteria provided, single submitter. Criteria: ACMG Guidelines, 2015. Collection method: clinical testing. Allele origin: unknown.

Natera, Inc.
Classification: Uncertain significance for Cartilage-hair hypoplasia. Last evaluated: 2020-07-10. Review status: no assertion criteria provided. Collection method: clinical testing. Allele origin: germline. Not counted in ClinVar's aggregate classification.

NR_003051.4(RMRP):n.137C>T

Gene: RMRP (RNA component of mitochondrial RNA processing endoribonuclease; minus strand). Cytogenetic location: 9p13.3.
Variant type: single nucleotide variant.
Genome position: GRCh38 VCF-style: chr9-35657883-G-A. GRCh37 (hg19) VCF-style: chr9-35657880-G-A.
Identifiers: ClinVar variation 991662 (VCV000991662.5), dbSNP rs940224067, ClinGen allele CA192745608.